The following is an entry in ClinVar:

NM_002711.4(PPP1R3A):c.1915G>T (p.Gly639Cys)

Gene: PPP1R3A (protein phosphatase 1 regulatory subunit 3A; minus strand). Cytogenetic location: 7q31.1.
Variant type: single nucleotide variant.
Coding change: c.1915G>T on transcript NM_002711.4 (MANE Select); coding-DNA position 1915, G replaced by T.
Protein change: p.Gly639Cys; replaces glycine 639 with cysteine.
Molecular consequence: missense variant.
Genome position (GRCh38, 1-based): chr7:113,879,177, C>A on the plus strand (G>T on the coding strand, the complement: PPP1R3A is on the minus strand). VCF-style: chr7-113879177-C-A. GRCh37 (hg19) VCF-style: chr7-113519232-C-A.
Other names: short protein forms G639C.
Identifiers: ClinVar variation 393403 (VCV000393403.19), dbSNP rs61756423, ClinGen allele CA4445174.
Genomic context (GRCh38, chr7:113,879,177, plus strand): 5'-GAACATTCCAACTTTGTTTATGCTGTGGGCTATTATCCTGATCTTCAGAATTAATCCCAC[C>A]TGATTTTTCTTCAACTTGGAAAAGATAATCATTCCTCAAAACATTTCCAGTTCTTGATGA-3'
Protein context (NP_002702.2, residues 629-649): DYLFQVEEKS[Gly639Cys]GINSEDQDNS

ClinVar aggregate classification (germline): Benign/Likely benign. Review status: criteria provided, multiple submitters, no conflicts (2 of 4 stars). 3 submissions from 3 submitters: Benign (2); Likely benign (1). Last evaluated 2025-02-01.

Conditions:
Monogenic diabetes. Identifiers: Orphanet 183625, MedGen C3888631, MONDO:0015967.

Allele frequency attached by ClinVar (database versions not stated): 1000 Genomes Project 0.00060; 1000 Genomes Project 30x 0.00062; TOPMed 0.00377; gnomAD 0.00472 and 0.00493; ExAC 0.00480; gnomAD exomes 0.00484 and 0.00636; ESP Exome Variant Server 0.00515.
gnomAD v4.1: 9,864 of 1,613,586 alleles (0.61%); highest among the groups gnomAD compares: Non-Finnish European, 0.72%; 59 homozygotes.

Submissions (3):

CeGaT Center for Human Genetics Tuebingen
Classification: Likely benign. Last evaluated: 2025-02-01. Review status: criteria provided, single submitter. Criteria: CeGaT Center For Human Genetics Tuebingen Variant Classification Criteria Version 2. Collection method: clinical testing. Allele origin: germline. Affected: yes. Observed: 1 variant allele.
Comment: PPP1R3A: BP4, BS2

Personalized Diabetes Medicine Program, University of Maryland School of Medicine
Classification: Benign for Monogenic diabetes. Last evaluated: 2018-12-07. Review status: criteria provided, single submitter. Criteria: ACMG Guidelines, 2015. Collection method: research. Allele origin: unknown. Observed: 6 variant alleles, 6 heterozygotes.
Comment: ACMG criteria: BP4 (REVEL 0.122 + BP4/6 predictors, not using PP3/2 predictors), BS2 (65 cases and 59 controls in T2DM), BS1 (overall MAF in gnomAD is 0.5%): benign

Labcorp Genetics (formerly Invitae), Labcorp
Classification: Benign. Last evaluated: 2017-06-07. Review status: criteria provided, single submitter. Criteria: Invitae Variant Classification Sherloc (09022015). Collection method: clinical testing. Allele origin: germline.